The following is an entry in ClinVar:

ClinVar aggregate classification (germline): Uncertain significance. Review status: criteria provided, multiple submitters, no conflicts (2 of 4 stars). 3 submissions from 3 submitters: Uncertain significance (3). Last evaluated 2024-10-25.

Allele frequency attached by ClinVar (database versions not stated): gnomAD 0.00001.
gnomAD v4.1: 44 of 1,600,890 alleles (0.0027%); highest among the groups gnomAD compares: Non-Finnish European, 0.0035%; no homozygotes.

Submissions (3):

Ambry Genetics
Classification: Uncertain significance. Last evaluated: 2024-10-25. Review status: criteria provided, single submitter. Criteria: Ambry Variant Classification Scheme 2023. Collection method: clinical testing. Allele origin: germline.

Blueprint Genetics
Classification: Uncertain significance. Last evaluated: 2024-03-19. Review status: criteria provided, single submitter. Criteria: ACMG Guidelines, 2015. Collection method: clinical testing. Allele origin: germline.

Labcorp Genetics (formerly Invitae), Labcorp
Classification: Uncertain significance. Last evaluated: 2022-12-30. Review status: criteria provided, single submitter. Criteria: Invitae Variant Classification Sherloc (09022015). Collection method: clinical testing. Allele origin: germline.
Comment: Algorithms developed to predict the effect of missense changes on protein structure and function (SIFT, PolyPhen-2, Align-GVGD) all suggest that this variant is likely to be tolerated. In summary, the available evidence is currently insufficient to determine the role of this variant in disease. Therefore, it has been classified as a Variant of Uncertain Significance. ClinVar contains an entry for this variant (Variation ID: 861018). This variant has not been reported in the literature in individuals affected with ZNF513-related conditions. The frequency data for this variant in the population databases is considered unreliable, as metrics indicate poor data quality at this position in the gnomAD database. This sequence change replaces glutamic acid, which is acidic and polar, with aspartic acid, which is acidic and polar, at codon 297 of the ZNF513 protein (p.Glu297Asp).

NM_144631.6(ZNF513):c.891G>T (p.Glu297Asp)

Gene: ZNF513 (zinc finger protein 513; minus strand). Cytogenetic location: 2p23.3.
Variant type: single nucleotide variant.
Coding change: c.891G>T on transcript NM_144631.6 (MANE Select); coding-DNA position 891, G replaced by T.
Protein change: p.Glu297Asp; replaces glutamic acid 297 with aspartic acid.
Molecular consequence: missense variant.
Genome position (GRCh38, 1-based): chr2:27,378,280, C>A on the plus strand (G>T on the coding strand, the complement: ZNF513 is on the minus strand). VCF-style: chr2-27378280-C-A. GRCh37 (hg19) VCF-style: chr2-27601147-C-A.
Other names: c.705G>T, p.Glu235Asp (NM_001201459.2); short protein forms E235D, E297D.
Identifiers: ClinVar variation 861018 (VCV000861018.14), dbSNP rs754162609, ClinGen allele CA1577907.